The following is an entry in ClinVar:

NM_003630.3(PEX3):c.827T>G (p.Phe276Cys)

Gene: PEX3 (peroxisomal biogenesis factor 3; plus strand). Cytogenetic location: 6q24.2.
Variant type: single nucleotide variant.
Coding change: c.827T>G on transcript NM_003630.3 (MANE Select); coding-DNA position 827, T replaced by G.
Protein change: p.Phe276Cys; replaces phenylalanine 276 with cysteine.
Molecular consequence: missense variant.
Genome position (GRCh38, 1-based): chr6:143,479,084, T>G. VCF-style: chr6-143479084-T-G. GRCh37 (hg19) VCF-style: chr6-143800221-T-G.
Other names: short protein forms F276C.
Identifiers: ClinVar variation 1499493 (VCV001499493.8), dbSNP rs2128747457, ClinGen allele CA365886010.

ClinVar aggregate classification (germline): Uncertain significance (1 of 4 stars; one submission).

Submission:

Labcorp Genetics (formerly Invitae), Labcorp
Classification: Uncertain significance. Last evaluated: 2022-02-24. Review status: criteria provided, single submitter. Criteria: Invitae Variant Classification Sherloc (09022015). Collection method: clinical testing. Allele origin: germline.
Comment: In summary, the available evidence is currently insufficient to determine the role of this variant in disease. Therefore, it has been classified as a Variant of Uncertain Significance. Algorithms developed to predict the effect of missense changes on protein structure and function (SIFT, PolyPhen-2, Align-GVGD) all suggest that this variant is likely to be tolerated. This variant has not been reported in the literature in individuals affected with PEX3-related conditions. This variant is not present in population databases (gnomAD no frequency). This sequence change replaces phenylalanine, which is neutral and non-polar, with cysteine, which is neutral and slightly polar, at codon 276 of the PEX3 protein (p.Phe276Cys).